The following is an entry in ClinVar:

NM_001184880.2(PCDH19):c.2422A>T (p.Thr808Ser)

Genes: PCDH19 (protocadherin 19; minus strand), LOC125467768 (CDK7 strongly-dependent group 2 enhancer GRCh37_chrX:99657381-99658580; plus strand). Cytogenetic location: Xq22.1.
Variant type: single nucleotide variant.
Coding change: c.2422A>T on transcript NM_001184880.2 (MANE Select); coding-DNA position 2422, A replaced by T.
Protein change: p.Thr808Ser; replaces threonine 808 with serine.
Molecular consequence: missense variant.
Genome position (GRCh38, 1-based): chrX:100,402,718, T>A on the plus strand (A>T on the coding strand, the complement: PCDH19 is on the minus strand). VCF-style: chrX-100402718-T-A. GRCh37 (hg19) VCF-style: chrX-99657716-T-A.
Other names: c.2281A>T, p.Thr761Ser (NM_001105243.2, NM_020766.3); short protein forms T808S, T761S.
Identifiers: ClinVar variation 408907 (VCV000408907.10), dbSNP rs111960928, ClinGen allele CA16616404.

ClinVar aggregate classification (germline): Uncertain significance (1 of 4 stars; one submission).

Conditions:
Developmental and epileptic encephalopathy, 9 (DEE9). Also called: PCDH19-Related X-Linked Female-Limited Epilepsy with Mental Retardation; Early infantile epileptic encephalopathy 9; EPILEPSY, FEMALE-RESTRICTED, WITH MENTAL RETARDATION; JUBERG-HELLMAN SYNDROME. Identifiers: Orphanet 101039, Orphanet 2076, MedGen C1848137, MONDO:0010246, OMIM 300088. Disease mechanism: loss of function.

Allele frequency attached by ClinVar (database versions not stated): gnomAD exomes below 0.00001 and 0.00001.
gnomAD v4.1: 1 of 1,209,902 alleles (0.000083%); highest among the groups gnomAD compares: Admixed American, 0.0022%; no homozygotes.

Submission:

Labcorp Genetics (formerly Invitae), Labcorp
Classification: Uncertain significance for Developmental and epileptic encephalopathy, 9. Last evaluated: 2022-08-22. Review status: criteria provided, single submitter. Criteria: Invitae Variant Classification Sherloc (09022015). Collection method: clinical testing. Allele origin: germline.
Comment: This sequence change replaces threonine, which is neutral and polar, with serine, which is neutral and polar, at codon 808 of the PCDH19 protein (p.Thr808Ser). This variant is present in population databases (no rsID available, gnomAD 0.004%). This variant has not been reported in the literature in individuals affected with PCDH19-related conditions. ClinVar contains an entry for this variant (Variation ID: 408907). Algorithms developed to predict the effect of missense changes on protein structure and function are either unavailable or do not agree on the potential impact of this missense change (SIFT: "Deleterious"; PolyPhen-2: "Possibly Damaging"; Align-GVGD: "Class C0"). In summary, the available evidence is currently insufficient to determine the role of this variant in disease. Therefore, it has been classified as a Variant of Uncertain Significance.